The following is an entry in ClinVar:

ClinVar aggregate classification (germline): Likely benign (1 of 4 stars; one submission).

Submission:

CeGaT Center for Human Genetics Tuebingen
Classification: Likely benign. Last evaluated: 2025-03-01. Review status: criteria provided, single submitter. Criteria: CeGaT Center For Human Genetics Tuebingen Variant Classification Criteria Version 2. Collection method: clinical testing. Allele origin: germline. Affected: yes. Observed: 2 variant alleles.
Comment: RNF43: BP4, BP7

NM_017763.6(RNF43):c.1809A>C (p.Ser603=)

Gene: RNF43 (ring finger protein 43; minus strand). Cytogenetic location: 17q22.
Variant type: single nucleotide variant.
Coding change: c.1809A>C on transcript NM_017763.6 (MANE Select); coding-DNA position 1809, A replaced by C.
Protein change: p.Ser603=; no amino-acid change (serine 603 retained).
Molecular consequence: synonymous variant.
Genome position (GRCh38, 1-based): chr17:58,357,967, T>G on the plus strand (A>C on the coding strand, the complement: RNF43 is on the minus strand). VCF-style: chr17-58357967-T-G. GRCh37 (hg19) VCF-style: chr17-56435328-T-G.
Other names: c.1809A>C, p.Ser603= (NM_001305544.3); c.1428A>C, p.Ser476= (NM_001305545.2).
Identifiers: ClinVar variation 3257025 (VCV003257025.17).